The following is an entry in ClinVar:

NM_000574.5(CD55):c.6C>G (p.Thr2=)

Gene: CD55 (CD55 molecule (Cromer blood group); plus strand). Cytogenetic location: 1q32.2.
Variant type: single nucleotide variant.
Coding change: c.6C>G on transcript NM_000574.5 (MANE Select); coding-DNA position 6, C replaced by G.
Protein change: p.Thr2=; no amino-acid change (threonine 2 retained).
Molecular consequence: synonymous variant. On other transcripts: non-coding transcript variant (1).
Genome position (GRCh38, 1-based): chr1:207,321,771, C>G. VCF-style: chr1-207321771-C-G. GRCh37 (hg19) VCF-style: chr1-207495116-C-G.
Other names: p.Thr2=; c.6C>G, p.Thr2= (NM_001114752.3, NM_001300902.2, NM_001300903.2 and 1 more transcripts).
Identifiers: ClinVar variation 1166251 (VCV001166251.13), dbSNP rs7542430, ClinGen allele CA1367866.

ClinVar aggregate classification (germline): Benign/Likely benign. Review status: criteria provided, multiple submitters, no conflicts (2 of 4 stars). 5 submissions from 5 submitters: Benign (2); Likely benign (3). Last evaluated 2026-02-01.

Allele frequency attached by ClinVar (database versions not stated): ExAC 0.00031; ESP Exome Variant Server 0.00259; gnomAD 0.00627 and 0.00669; 1000 Genomes Project 0.00659; TOPMed 0.00698; 1000 Genomes Project 30x 0.00703.

Submissions (5):

Labcorp Genetics (formerly Invitae), Labcorp
Classification: Benign. Last evaluated: 2026-02-01. Review status: criteria provided, single submitter. Criteria: Invitae Variant Classification Sherloc (09022015). Collection method: clinical testing. Allele origin: germline.

Women's Health and Genetics/Laboratory Corporation of America, LabCorp
Classification: Likely benign. Last evaluated: 2026-01-22. Review status: criteria provided, single submitter. Criteria: LabCorp Variant Classification Summary - May 2015. Collection method: clinical testing. Allele origin: germline.

Mayo Clinic Laboratories, Mayo Clinic
Classification: Likely benign. Last evaluated: 2025-05-29. Review status: criteria provided, single submitter. Criteria: ACMG Guidelines, 2015. Collection method: clinical testing. Allele origin: germline. Observed: 2 variant alleles.
Comment: BS1, BP4, BP7

Blueprint Genetics
Classification: Likely benign. Last evaluated: 2024-10-22. Review status: criteria provided, single submitter. Criteria: ACMG Guidelines, 2015. Collection method: clinical testing. Allele origin: germline.

Breakthrough Genomics
Classification: Benign. Review status: criteria provided, single submitter. Criteria: ACMG Guidelines, 2015. Collection method: not provided. Allele origin: germline. Inheritance: Autosomal recessive inheritance. Affected: yes.